The following is an entry in ClinVar:

ClinVar aggregate classification (germline): Uncertain significance (1 of 4 stars; one submission).

gnomAD v4.1: 1 of 1,610,766 alleles (0.000062%); highest among the groups gnomAD compares: Admixed American, 0.0017%; no homozygotes.

Submission:

Labcorp Genetics (formerly Invitae), Labcorp
Classification: Uncertain significance. Last evaluated: 2022-02-14. Review status: criteria provided, single submitter. Criteria: Invitae Variant Classification Sherloc (09022015). Collection method: clinical testing. Allele origin: germline.
Comment: In summary, the available evidence is currently insufficient to determine the role of this variant in disease. Therefore, it has been classified as a Variant of Uncertain Significance. Experimental studies and prediction algorithms are not available or were not evaluated, and the functional significance of this variant is currently unknown. This variant has not been reported in the literature in individuals affected with COL18A1-related conditions. This variant is not present in population databases (gnomAD no frequency). This sequence change replaces arginine, which is basic and polar, with proline, which is neutral and non-polar, at codon 487 of the COL18A1 protein (p.Arg487Pro).

NM_001379500.1(COL18A1):c.1460G>C (p.Arg487Pro)

Gene: COL18A1 (collagen type XVIII alpha 1 chain; plus strand). Cytogenetic location: 21q22.3.
Variant type: single nucleotide variant.
Coding change: c.1460G>C on transcript NM_001379500.1 (MANE Select); coding-DNA position 1460, G replaced by C.
Protein change: p.Arg487Pro; replaces arginine 487 with proline.
Molecular consequence: missense variant.
Genome position (GRCh38, 1-based): chr21:45,480,707, G>C. VCF-style: chr21-45480707-G-C. GRCh37 (hg19) VCF-style: chr21-46900621-G-C.
Other names: c.2000G>C, p.Arg667Pro (NM_030582.4); c.2705G>C, p.Arg902Pro (NM_130444.3); short protein forms R487P, R667P, R902P.
Identifiers: ClinVar variation 2097646 (VCV002097646.4), dbSNP rs371292624, ClinGen allele CA410517372.